The following is an entry in ClinVar:

NM_000169.3(GLA):c.131G>A (p.Trp44Ter)

Genes: GLA (galactosidase alpha; minus strand), RPL36A-HNRNPH2 (RPL36A-HNRNPH2 readthrough; plus strand). Cytogenetic location: Xq22.1.
Variant type: single nucleotide variant.
Coding change: c.131G>A on transcript NM_000169.3 (MANE Select); coding-DNA position 131, G replaced by A.
Protein change: p.Trp44Ter; replaces tryptophan 44 with a stop codon.
Molecular consequence: nonsense. On other transcripts: non-coding transcript variant (3), intron variant (2).
Genome position (GRCh38, 1-based): chrX:101,407,773, C>T on the plus strand (G>A on the coding strand, the complement: GLA is on the minus strand). VCF-style: chrX-101407773-C-T. GRCh37 (hg19) VCF-style: chrX-100662761-C-T.
Other names: c.131G>A, p.Trp44Ter (NM_001406747.1, NM_001406748.1, NM_001406749.1); c.301-4163C>T (NM_001199973.2); c.178-4163C>T (NM_001199974.2); short protein forms W44*.
Identifiers: ClinVar variation 10716 (VCV000010716.3), dbSNP rs104894829, ClinGen allele CA021519.

ClinVar aggregate classification (germline): Pathogenic. Review status: criteria provided, single submitter (1 of 4 stars). 2 submissions from 2 submitters: Pathogenic (1). 1 of the submissions does not count toward it. Last evaluated 2026-09-08.

Conditions:
Fabry disease. Also called: Ceramide trihexosidosis; Fabry's disease; CERAMIDE TRIHEXOSIDASE DEFICIENCY; GLA DEFICIENCY; HEREDITARY DYSTOPIC LIPIDOSIS; ALPHA-GALACTOSIDASE A DEFICIENCY. Identifiers: Orphanet 324, MedGen C0002986, MONDO:0010526, OMIM 301500, HP:0001071. Disease mechanism: Fabry disease is due to inactivating mutations in the X-linked GLA gene resulting in deficiency of the enzyme Alpha Galactosidase-A., loss of function.

Submissions (2):

Genomenon, Inc
Classification: Pathogenic for Fabry disease. Last evaluated: 2026-09-08. Review status: criteria provided, single submitter. Criteria: Genomenon Sequence Variant Interpretation Standards - Updated. Collection method: curation. Allele origin: germline. Affected: yes.
Comment: GLA p.Trp44Ter (c.131G>A) is a nonsense variant that introduces a premature stop codon at amino acid position 44 and is predicted to result in a truncated or absent protein product. This variant has been observed in at least one proband with clinical features consistent with Fabry disease (PMID:9105656;23818648;27585509;2171331). Functional or patient cell studies have been reported (PMID:23818648;27585509). It is absent or not present at a significant frequency in gnomAD. In conclusion, we classify GLA p.Trp44Ter (c.131G>A) as a pathogenic variant.

OMIM
Classification: Pathogenic for FABRY DISEASE. Last evaluated: 1990-11-01. Review status: no assertion criteria provided. Collection method: literature only. Allele origin: germline. Not counted in ClinVar's aggregate classification.

Literature cited by the submitters: PubMed 9105656 (cited by Genomenon, Inc); PubMed 23818648 (cited by Genomenon, Inc); PubMed 27585509 (cited by Genomenon, Inc); PubMed 2171331 (cited by Genomenon, Inc and OMIM).